The following is an entry in ClinVar:

ClinVar aggregate classification (germline): Uncertain significance. Review status: criteria provided, multiple submitters, no conflicts (2 of 4 stars). 2 submissions from 2 submitters: Uncertain significance (2). Last evaluated 2025-10-02.

Conditions:
Inborn genetic diseases. Identifiers: MedGen C0950123, MeSH D030342.
Immunodeficiency, common variable, 10. Also called: DEFICIT IN ANTERIOR PITUITARY FUNCTION AND VARIABLE IMMUNODEFICIENCY; IMMUNODEFICIENCY, COMMON VARIABLE, WITH CENTRAL ADRENAL INSUFFICIENCY. Identifiers: MedGen C3809991, MONDO:0014260, OMIM 615577.

Allele frequency attached by ClinVar (database versions not stated): TOPMed 0.00002; gnomAD exomes 0.00003.
gnomAD v4.1: 40 of 1,585,326 alleles (0.0025%); highest among the groups gnomAD compares: Non-Finnish European, 0.0034%; no homozygotes.

Submissions (2):

Ambry Genetics
Classification: Uncertain significance for Inborn genetic diseases. Last evaluated: 2025-10-02. Review status: criteria provided, single submitter. Criteria: Ambry Variant Classification Scheme 2023. Collection method: clinical testing. Allele origin: germline.

Labcorp Genetics (formerly Invitae), Labcorp
Classification: Uncertain significance for Immunodeficiency, common variable, 10. Last evaluated: 2025-08-09. Review status: criteria provided, single submitter. Criteria: Invitae Variant Classification Sherloc (09022015). Collection method: clinical testing. Allele origin: germline.
Comment: This sequence change replaces tyrosine, which is neutral and polar, with cysteine, which is neutral and slightly polar, at codon 388 of the NFKB2 protein (p.Tyr388Cys). This variant is present in population databases (rs758025082, gnomAD 0.004%). This variant has not been reported in the literature in individuals affected with NFKB2-related conditions. ClinVar contains an entry for this variant (Variation ID: 646480). An algorithm developed to predict the effect of missense changes on protein structure and function (PolyPhen-2) suggests that this variant is likely to be disruptive. In summary, the available evidence is currently insufficient to determine the role of this variant in disease. Therefore, it has been classified as a Variant of Uncertain Significance.

NM_001322934.2(NFKB2):c.1163A>G (p.Tyr388Cys)

Genes: NFKB2 (nuclear factor kappa B subunit 2; plus strand), LOC130004599 (ATAC-STARR-seq lymphoblastoid silent region 2756; plus strand). Cytogenetic location: 10q24.32.
Variant type: single nucleotide variant.
Coding change: c.1163A>G on transcript NM_001322934.2 (MANE Select); coding-DNA position 1163, A replaced by G.
Protein change: p.Tyr388Cys; replaces tyrosine 388 with cysteine.
Molecular consequence: missense variant.
Genome position (GRCh38, 1-based): chr10:102,399,333, A>G. VCF-style: chr10-102399333-A-G. GRCh37 (hg19) VCF-style: chr10-104159090-A-G.
Other names: c.1163A>G, p.Tyr388Cys (LRG_1347t1, NM_001077494.3, NM_001261403.3 and 2 more transcripts); c.1163A>G (NM_001077494.1); c.1037A>G, p.Tyr346Cys (NM_001322935.1); short protein forms Y346C, Y388C.
Identifiers: ClinVar variation 646480 (VCV000646480.12), dbSNP rs758025082, ClinGen allele CA5664765.
Genomic context (GRCh38, chr10:102,399,333, plus strand): 5'-TGCCTGTATCCACAGGTGGCAGCCTCGGTTTCTTCCCCTCCTCCCTGGCCTACAGCCCCT[A>G]CCAGTCCGGCGCGGGCCCCATGGGCTGCTACCCGGGAGGCGGGGGCGGGGCGCAGATGGC-3'
Protein context (NP_001309863.1, residues 378-398): FFPSSLAYSP[Tyr388Cys]QSGAGPMGCY